The following is an entry in ClinVar:

ClinVar aggregate classification (germline): Uncertain significance. Review status: criteria provided, multiple submitters, no conflicts (2 of 4 stars). 3 submissions from 3 submitters: Uncertain significance (3). Last evaluated 2025-09-16.

Conditions:
Myofibrillar myopathy 5. Also called: Filaminopathy (type); FILAMINOPATHY, AUTOSOMAL DOMINANT. Identifiers: Orphanet 171445, MedGen C1836050, MONDO:0012289, OMIM 609524.
Hypertrophic cardiomyopathy 26. Also called: Cardiomyopathy, familial hypertrophic, 26. Identifiers: Orphanet 75249, MedGen C4310749, MONDO:0014883, OMIM 617047.
Distal myopathy with posterior leg and anterior hand involvement. Also called: WILLIAMS DISTAL MYOPATHY. Identifiers: Orphanet 63273, MedGen C3279722, MONDO:0013550, OMIM 614065.
Cardiovascular phenotype. Identifiers: MedGen CN230736.

Allele frequency attached by ClinVar (database versions not stated): gnomAD exomes below 0.00001.

Submissions (3):

GeneDx
Classification: Uncertain significance. Last evaluated: 2025-09-16. Review status: criteria provided, single submitter. Criteria: GeneDx Variant Classification Process June 2021. Collection method: clinical testing. Allele origin: germline. Affected: yes.
Comment: Has not been previously published as pathogenic or benign to our knowledge; Not observed at significant frequency in large population cohorts (gnomAD); In silico analysis supports that this duplication at a canonical splice site has a deleterious effect on splicing

Labcorp Genetics (formerly Invitae), Labcorp
Classification: Uncertain significance for Distal myopathy with posterior leg and anterior hand involvement; Myofibrillar myopathy 5; Hypertrophic cardiomyopathy 26. Last evaluated: 2024-10-06. Review status: criteria provided, single submitter. Criteria: Invitae Variant Classification Sherloc (09022015). Collection method: clinical testing. Allele origin: germline.
Comment: This sequence change falls in intron 17 of the FLNC gene. It does not directly change the encoded amino acid sequence of the FLNC protein. It affects a nucleotide within the consensus splice site. This variant is present in population databases (no rsID available, gnomAD 0.01%). This variant has not been reported in the literature in individuals affected with FLNC-related conditions. Variants that disrupt the consensus splice site are a relatively common cause of aberrant splicing (PMID: 17576681, 9536098). Experimental studies and prediction algorithms are not available or were not evaluated, and the effect of this variant on mRNA splicing is currently unknown. In summary, the available evidence is currently insufficient to determine the role of this variant in disease. Therefore, it has been classified as a Variant of Uncertain Significance.

Ambry Genetics
Classification: Uncertain significance for Cardiovascular phenotype. Last evaluated: 2023-12-07. Review status: criteria provided, single submitter. Criteria: Ambry Variant Classification Scheme 2023. Collection method: clinical testing. Allele origin: germline.
Comment: The c.2642-2dupA intronic variant is located 2 nucleotides before coding exon 18 in the FLNC gene. This variant results from a duplication of 1 nucleotide at position c.2642-2. This variant does not change the sequence of the canonical acceptor at this splice site. This nucleotide position is highly conserved in available vertebrate species. In silico splice site analysis predicts that this alteration will not have any significant effect on splicing. Since supporting evidence is limited at this time, the clinical significance of this alteration remains unclear.

Literature cited by the submitters: PubMed 17576681 (cited by Labcorp Genetics (formerly Invitae), Labcorp); PubMed 9536098 (cited by Labcorp Genetics (formerly Invitae), Labcorp).

NM_001458.5(FLNC):c.2642-2dup

Gene: FLNC (filamin C; plus strand). Cytogenetic location: 7q32.1.
Variant type: Duplication.
Coding change: c.2642-2dup on transcript NM_001458.5 (MANE Select); the canonical splice acceptor site of the intron before coding-DNA position 2642, one base duplicated (A; older notation c.2642-2dupA).
Molecular consequence: splice acceptor variant.
Genome position (GRCh38, 1-based): chr7:128,843,406, A duplicated. VCF-style (leftmost placement, unchanged base first): chr7-128843405-C-CA. GRCh37 (hg19) VCF-style: chr7-128483459-C-CA.
Other names: c.2642-2dupA (NM_001458.4); c.2642-2dup (NM_001127487.2).
Identifiers: ClinVar variation 2926672 (VCV002926672.5), dbSNP rs1437325933, ClinGen allele CA578150972.